The following is an entry in ClinVar:

NM_001199138.2(NLRC4):c.161T>C (p.Ile54Thr)

Gene: NLRC4 (NLR family CARD domain containing 4; minus strand). Cytogenetic location: 2p22.3.
Variant type: single nucleotide variant.
Coding change: c.161T>C on transcript NM_001199138.2 (MANE Select); coding-DNA position 161, T replaced by C.
Protein change: p.Ile54Thr; replaces isoleucine 54 with threonine.
Molecular consequence: missense variant.
Genome position (GRCh38, 1-based): chr2:32,252,520, A>G on the plus strand (T>C on the coding strand, the complement: NLRC4 is on the minus strand). VCF-style: chr2-32252520-A-G. GRCh37 (hg19) VCF-style: chr2-32477589-A-G.
Other names: c.161T>C, p.Ile54Thr (NM_001199139.2, NM_001302504.2, NM_021209.5); short protein forms I54T.
Identifiers: ClinVar variation 5018261 (VCV005018261.1).

ClinVar aggregate classification (germline): Uncertain significance (1 of 4 stars; one submission).

gnomAD v4.1: 2 of 1,614,134 alleles (0.00012%); highest among the groups gnomAD compares: Non-Finnish European, 0.00017%; no homozygotes.

Submission:

GeneDx
Classification: Uncertain significance. Last evaluated: 2026-04-07. Review status: criteria provided, single submitter. Criteria: GeneDx Variant Classification Process June 2021. Collection method: clinical testing. Allele origin: germline.
Comment: Not observed at significant frequency in large population cohorts (gnomAD); In silico analysis suggests that this missense variant does not alter protein structure/function; Has not been previously published as pathogenic or benign to our knowledge